The following is an entry in ClinVar:

ClinVar aggregate classification (germline): Uncertain significance. Review status: criteria provided, multiple submitters, no conflicts (2 of 4 stars). 2 submissions from 2 submitters: Uncertain significance (2). Last evaluated 2024-10-09.

Conditions:
RNU5A-1-associated neurodevelopmental disorder.

Submissions (2):

Institute of Human Genetics, University of Leipzig Medical Center
Classification: Uncertain significance for RNU5A-1-associated neurodevelopmental disorder. Last evaluated: 2024-10-09. Review status: criteria provided, single submitter. Criteria: ACMG Guidelines, 2015. Collection method: literature only. Allele origin: de novo. Inheritance: Autosomal dominant inheritance. Affected: yes. Observed: 1 variant allele.
Comment: This variant was identified as de novo

Institute for Human Genetics, University Hospital Essen
Classification: Uncertain significance. Last evaluated: 2005-03-05. Review status: criteria provided, single submitter. Criteria: ACMG Guidelines, 2015. Collection method: clinical testing. Allele origin: de novo. Affected: yes.
Comment: PM2_supp, PS2

Literature cited by the submitters: DOI 10.1101/2024.10.07.24314689 (cited by Institute of Human Genetics, University of Leipzig Medical Center).

NR_002756.2(RNU5A-1):n.39del

Gene: RNU5A-1 (RNA, U5A small nuclear 1; plus strand). Cytogenetic location: 15q22.31.
Variant type: Deletion.
Molecular consequence: non-coding transcript variant (on NR_002756.2).
Genome position: GRCh38 VCF-style: chr15-65296087-GC-G. GRCh37 (hg19) VCF-style: chr15-65588425-GC-G.
Identifiers: ClinVar variation 3362391 (VCV003362391.2).
Genomic context (GRCh38, chr15:65,296,087, plus strand): 5'-AATTGAGTTACAGAAGTAACTGGTATACTCTGGTTTCTCTTCAGATCGCATAAATCTTTC[GC>G]CTTTTACTAAAGATTTCCGTGGAGAGGAACAACTCTGAGTCTTAACCCAATTTTTTGAGG-3'